The following is an entry in ClinVar:

NM_012463.4(ATP6V0A2):c.1724+5G>A

Gene: ATP6V0A2 (ATPase H+ transporting V0 subunit a2; plus strand). Cytogenetic location: 12q24.31.
Variant type: single nucleotide variant.
Coding change: c.1724+5G>A on transcript NM_012463.4 (MANE Select); 5 bases into the intron after coding-DNA position 1724, G replaced by A.
Molecular consequence: intron variant.
Genome position (GRCh38, 1-based): chr12:123,747,730, G>A. VCF-style: chr12-123747730-G-A. GRCh37 (hg19) VCF-style: chr12-124232277-G-A.
Identifiers: ClinVar variation 3708300 (VCV003708300.1).

ClinVar aggregate classification (germline): Uncertain significance (1 of 4 stars; one submission).

Conditions:
ALG9 congenital disorder of glycosylation (CDG1L). Also called: ALG9-CDG; CDG Il; CONGENITAL DISORDER OF GLYCOSYLATION, TYPE Il. Identifiers: Orphanet 79328, MedGen C2931006, MONDO:0012117, OMIM 608776.

gnomAD v4.1: 1 of 1,557,184 alleles (0.000064%); highest among the groups gnomAD compares: Admixed American, 0.0017%; no homozygotes.

Submission:

Labcorp Genetics (formerly Invitae), Labcorp
Classification: Uncertain significance for ALG9 congenital disorder of glycosylation. Last evaluated: 2024-08-07. Review status: criteria provided, single submitter. Criteria: Invitae Variant Classification Sherloc (09022015). Collection method: clinical testing. Allele origin: germline.
Comment: This sequence change falls in intron 14 of the ATP6V0A2 gene. It does not directly change the encoded amino acid sequence of the ATP6V0A2 protein. It affects a nucleotide within the consensus splice site. This variant is present in population databases (no rsID available, gnomAD 0.003%). This variant has not been reported in the literature in individuals affected with ATP6V0A2-related conditions. Variants that disrupt the consensus splice site are a relatively common cause of aberrant splicing (PMID: 17576681, 9536098). Algorithms developed to predict the effect of sequence changes on RNA splicing suggest that this variant may disrupt the consensus splice site. In summary, the available evidence is currently insufficient to determine the role of this variant in disease. Therefore, it has been classified as a Variant of Uncertain Significance.

Literature cited by the submitters: PubMed 17576681; PubMed 9536098.